The following is an entry in ClinVar:

NM_000428.3(LTBP2):c.2668G>A (p.Glu890Lys)

Gene: LTBP2 (latent transforming growth factor beta binding protein 2; minus strand). Cytogenetic location: 14q24.3.
Variant type: single nucleotide variant.
Coding change: c.2668G>A on transcript NM_000428.3 (MANE Select); coding-DNA position 2668, G replaced by A.
Protein change: p.Glu890Lys; replaces glutamic acid 890 with lysine.
Molecular consequence: missense variant.
Genome position (GRCh38, 1-based): chr14:74,522,031, C>T on the plus strand (G>A on the coding strand, the complement: LTBP2 is on the minus strand). VCF-style: chr14-74522031-C-T. GRCh37 (hg19) VCF-style: chr14-74988734-C-T.
Other names: short protein forms E890K.
Identifiers: ClinVar variation 884795 (VCV000884795.44), dbSNP rs141783623, ClinGen allele CA7269411.

ClinVar aggregate classification (germline): Conflicting classifications of pathogenicity. Review status: criteria provided, conflicting classifications (1 of 4 stars). 6 submissions from 6 submitters: Uncertain significance (1); Benign (1); Likely benign (1). 3 of the submissions do not count toward it. Last evaluated 2026-02-02.

Conditions:
Glaucoma 3, primary congenital, D. Identifiers: Orphanet 98976, MedGen C2751316, MONDO:0013122, OMIM 613086.
LTBP2-related disorder. Also called: LTBP2-related condition; LTBP2-related disorders.

Allele frequency attached by ClinVar (database versions not stated): gnomAD exomes 0.00063 and 0.00131; 1000 Genomes Project 30x 0.00094; 1000 Genomes Project 0.00100; ExAC 0.00131; ESP Exome Variant Server 0.00215; gnomAD 0.00218 and 0.00235; TOPMed 0.00231.
gnomAD v4.1: 1,342 of 1,612,756 alleles (0.083%); highest among the groups gnomAD compares: African/African-American, 0.59%; 11 homozygotes.

Submissions (6):

Labcorp Genetics (formerly Invitae), Labcorp
Classification: Benign. Last evaluated: 2026-02-02. Review status: criteria provided, single submitter. Criteria: Invitae Variant Classification Sherloc (09022015). Collection method: clinical testing. Allele origin: germline.

CeGaT Center for Human Genetics Tuebingen
Classification: Likely benign. Last evaluated: 2026-02-01. Review status: criteria provided, single submitter. Criteria: CeGaT Center For Human Genetics Tuebingen Variant Classification Criteria Version 2. Collection method: clinical testing. Allele origin: germline. Affected: yes. Observed: 3 variant alleles.
Comment: LTBP2: BS2

Illumina Laboratory Services, Illumina
Classification: Uncertain significance for Glaucoma 3, primary congenital, D. Last evaluated: 2017-04-27. Review status: criteria provided, single submitter. Criteria: ICSL Variant Classification Criteria 13 December 2019. Collection method: clinical testing. Allele origin: germline.

PreventionGenetics, part of Exact Sciences
Classification: Likely benign for LTBP2-related condition. Last evaluated: 2019-11-26. Review status: no assertion criteria provided. Collection method: clinical testing. Allele origin: germline. Not counted in ClinVar's aggregate classification.
Comment: This variant is classified as likely benign based on ACMG/AMP sequence variant interpretation guidelines (Richards et al. 2015 PMID: 25741868, with internal and published modifications).

Clinical Genetics DNA and cytogenetics Diagnostics Lab, Erasmus MC, Erasmus Medical Center
Classification: Uncertain significance. Review status: no assertion criteria provided. Collection method: clinical testing. Allele origin: germline. Affected: yes. Study: VKGL Data-share Consensus. Not counted in ClinVar's aggregate classification.

Diagnostic Laboratory, Department of Genetics, University Medical Center Groningen
Classification: Uncertain significance. Review status: no assertion criteria provided. Collection method: clinical testing. Allele origin: germline. Affected: yes. Study: VKGL Data-share Consensus. Not counted in ClinVar's aggregate classification.